The following is an entry in ClinVar:

NM_014000.3(VCL):c.304G>A (p.Val102Met)

Gene: VCL (vinculin; plus strand). Cytogenetic location: 10q22.2.
Variant type: single nucleotide variant.
Coding change: c.304G>A on transcript NM_014000.3 (MANE Select); coding-DNA position 304, G replaced by A.
Protein change: p.Val102Met; replaces valine 102 with methionine.
Molecular consequence: missense variant.
Genome position (GRCh38, 1-based): chr10:74,070,734, G>A. VCF-style: chr10-74070734-G-A. GRCh37 (hg19) VCF-style: chr10-75830492-G-A.
Other names: c.304G>A, p.Val102Met (NM_003373.4); short protein forms V102M.
Identifiers: ClinVar variation 3467801 (VCV003467801.3).

ClinVar aggregate classification (germline): Uncertain significance. Review status: criteria provided, multiple submitters, no conflicts (2 of 4 stars). 2 submissions from 2 submitters: Uncertain significance (2). Last evaluated 2024-11-26.

Conditions:
Cardiovascular phenotype. Identifiers: MedGen CN230736.
Dilated cardiomyopathy 1W (CMD1W). Identifiers: Orphanet 154, MedGen C1969639, MONDO:0012667, OMIM 611407.

Submissions (2):

Labcorp Genetics (formerly Invitae), Labcorp
Classification: Uncertain significance for Dilated cardiomyopathy 1W. Last evaluated: 2024-11-26. Review status: criteria provided, single submitter. Criteria: Invitae Variant Classification Sherloc (09022015). Collection method: clinical testing. Allele origin: germline.
Comment: This sequence change replaces valine, which is neutral and non-polar, with methionine, which is neutral and non-polar, at codon 102 of the VCL protein (p.Val102Met). This variant is not present in population databases (gnomAD no frequency). This variant has not been reported in the literature in individuals affected with VCL-related conditions. An algorithm developed to predict the effect of missense changes on protein structure and function (PolyPhen-2) suggests that this variant is likely to be disruptive. In summary, the available evidence is currently insufficient to determine the role of this variant in disease. Therefore, it has been classified as a Variant of Uncertain Significance.

Ambry Genetics
Classification: Uncertain significance for Cardiovascular phenotype. Last evaluated: 2024-09-30. Review status: criteria provided, single submitter. Criteria: Ambry Variant Classification Scheme 2023. Collection method: clinical testing. Allele origin: germline.
Comment: The p.V102M variant (also known as c.304G>A), located in coding exon 3 of the VCL gene, results from a G to A substitution at nucleotide position 304. The valine at codon 102 is replaced by methionine, an amino acid with highly similar properties. This amino acid position is conserved. In addition, this alteration is predicted to be tolerated by in silico analysis. Based on the available evidence, the clinical significance of this variant remains unclear.